The following is an entry in ClinVar:

ClinVar aggregate classification (germline): Uncertain significance (1 of 4 stars; one submission).

Conditions:
TTC21B-related disorder. Also called: TTC21B-related disorders; TTC21B-related condition.

gnomAD v4.1: 6 of 1,613,954 alleles (0.00037%); highest among the groups gnomAD compares: Non-Finnish European, 0.00051%; no homozygotes.

Submission:

PreventionGenetics, part of Exact Sciences
Classification: Uncertain significance for TTC21B-related condition. Last evaluated: 2026-09-16. Review status: criteria provided, single submitter. Criteria: ACMG Guidelines, 2015. Collection method: clinical testing. Allele origin: germline.
Comment: The TTC21B c.2728G>A variant is predicted to result in the amino acid substitution p.Ala910Thr. To our knowledge, this variant has not been reported in the literature. This variant is reported in 0.00088% of alleles in individuals of European (Non-Finnish) descent in gnomAD. At this time, the clinical significance of this variant is uncertain due to the absence of conclusive functional and genetic evidence.

NM_024753.5(TTC21B):c.2728G>A (p.Ala910Thr)

Gene: TTC21B (tetratricopeptide repeat domain 21B; minus strand). Cytogenetic location: 2q24.3.
Variant type: single nucleotide variant.
Coding change: c.2728G>A on transcript NM_024753.5 (MANE Select); coding-DNA position 2728, G replaced by A.
Protein change: p.Ala910Thr; replaces alanine 910 with threonine.
Molecular consequence: missense variant.
Genome position (GRCh38, 1-based): chr2:165,901,751, C>T on the plus strand (G>A on the coding strand, the complement: TTC21B is on the minus strand). VCF-style: chr2-165901751-C-T. GRCh37 (hg19) VCF-style: chr2-166758261-C-T.
Other names: short protein forms A910T.
Identifiers: ClinVar variation 4982504 (VCV004982504.1).
Genomic context (GRCh38, chr2:165,901,751, plus strand): 5'-AAGGTATTTAAAATTTTATAAAGGTACTGACCTTATTATCTGTTTCGCAGTGAACCAGAG[C>T]CTCTCTATAAAACTTAATTGCTTTTTCATAGTCTCGCTGAGCAACAGAATGTTTTGCAAT-3'
Protein context (NP_079029.3, residues 900-920): YEKAIKFYRE[Ala910Thr]LVHCETDNKI